The following is an entry in ClinVar:

ClinVar aggregate classification (germline): Conflicting classifications of pathogenicity. Review status: criteria provided, conflicting classifications (1 of 4 stars). 2 submissions from 2 submitters: Likely pathogenic (1); Uncertain significance (1). Last evaluated 2025-09-11.

Conditions:
Inborn genetic diseases. Identifiers: MedGen C0950123, MeSH D030342.
KINSSHIP syndrome. Also called: MESOMELIC DYSPLASIA, STEICHEN-GERSDORF TYPE; MESOMELIC DYSPLASIA, AFF3-RELATED. Identifiers: MedGen C5543317, MONDO:0851095, OMIM 619297.

gnomAD v4.1: 15 of 1,611,226 alleles (0.00093%); highest among the groups gnomAD compares: Admixed American, 0.0034%; no homozygotes.

Submissions (2):

Ambry Genetics
Classification: Uncertain significance for Inborn genetic diseases. Last evaluated: 2025-09-11. Review status: criteria provided, single submitter. Criteria: Ambry Variant Classification Scheme 2023. Collection method: clinical testing. Allele origin: germline.

Institute of Human Genetics, FAU Erlangen, Friedrich-Alexander-Universität Erlangen-Nürnberg
Classification: Likely pathogenic for KINSSHIP syndrome. Last evaluated: 2025-01-29. Review status: criteria provided, single submitter. Criteria: Hauer et al. (Genet Med. 2018). Collection method: clinical testing. Allele origin: germline. Inheritance: Autosomal dominant inheritance. Affected: yes. Observed: 1 variant allele.
Comment: This variant has been identified by standard clinical testing. Selected ACMG criteria: Likely pathogenic (II):PP2;PM2;PS2

NM_001386135.1(AFF3):c.2840G>A (p.Arg947Gln)

Gene: AFF3 (ALF transcription elongation factor 3; minus strand). Cytogenetic location: 2q11.2.
Variant type: single nucleotide variant.
Coding change: c.2840G>A on transcript NM_001386135.1 (MANE Select); coding-DNA position 2840, G replaced by A.
Protein change: p.Arg947Gln; replaces arginine 947 with glutamine.
Molecular consequence: missense variant.
Genome position (GRCh38, 1-based): chr2:99,578,405, C>T on the plus strand (G>A on the coding strand, the complement: AFF3 is on the minus strand). VCF-style: chr2-99578405-C-T. GRCh37 (hg19) VCF-style: chr2-100194867-C-T.
Other names: c.2915G>A (NM_001025108.1); c.2915G>A, p.Arg972Gln (NM_001025108.2); c.2840G>A, p.Arg947Gln (NM_002285.3); short protein forms R947Q, R972Q.
Identifiers: ClinVar variation 3600986 (VCV003600986.2).